The following is an entry in ClinVar:

NM_001366521.1(ATP2B1):c.716A>G (p.Asp239Gly)

Gene: ATP2B1 (ATPase plasma membrane Ca2+ transporting 1; minus strand). Cytogenetic location: 12q21.33.
Variant type: single nucleotide variant.
Coding change: c.716A>G on transcript NM_001366521.1 (MANE Select); coding-DNA position 716, A replaced by G.
Protein change: p.Asp239Gly; replaces aspartic acid 239 with glycine.
Molecular consequence: missense variant. On other transcripts: intron variant (2).
Genome position (GRCh38, 1-based): chr12:89,634,849, T>C on the plus strand (A>G on the coding strand, the complement: ATP2B1 is on the minus strand). VCF-style: chr12-89634849-T-C. GRCh37 (hg19) VCF-style: chr12-90028626-T-C.
Other names: c.716A>G, p.Asp239Gly (NM_001001323.2, NM_001366520.1, NM_001366522.1 and 8 more transcripts); c.518A>G, p.Asp173Gly (NM_001366530.1); c.406+7309A>G (NM_001366531.1, NM_001366532.1); short protein forms D173G, D239G.
Identifiers: ClinVar variation 1679159 (VCV001679159.3), dbSNP rs2136192267, ClinGen allele CA386127297.

ClinVar aggregate classification (germline): Likely pathogenic. Review status: criteria provided, single submitter (1 of 4 stars). 2 submissions from 2 submitters: Likely pathogenic (1). 1 of the submissions does not count toward it. Last evaluated 2022-04-11.

Conditions:
Neurodevelopmental disorder. Identifiers: MedGen C1535926, MeSH D065886, MONDO:0700092.
Intellectual developmental disorder, autosomal dominant 66. Also called: MENTAL RETARDATION, AUTOSOMAL DOMINANT 66. Identifiers: MedGen C5677000, MONDO:0030891, OMIM 619910.

Submissions (2):

Institute of Human Genetics, University of Leipzig Medical Center
Classification: Likely pathogenic for Neurodevelopmental disorder. Last evaluated: 2022-04-11. Review status: criteria provided, single submitter. Criteria: ACMG Guidelines, 2015. Collection method: clinical testing. Allele origin: de novo. Affected: yes.
Comment: This variant was identified as de novo (maternity and paternity confirmed)._x000D_ Criteria applied: PS2_MOD, PS3_SUP, PM1_MOD, PM2_SUP, PP2, PP3

OMIM
Classification: Pathogenic for INTELLECTUAL DEVELOPMENTAL DISORDER, AUTOSOMAL DOMINANT 66. Last evaluated: 2022-06-16. Review status: no assertion criteria provided. Collection method: literature only. Allele origin: germline. Not counted in ClinVar's aggregate classification.

Literature cited by the submitters: PubMed 35358416 (cited by Institute of Human Genetics, University of Leipzig Medical Center and OMIM).